The following is an entry in ClinVar:

ClinVar aggregate classification (germline): Benign/Likely benign (0 of 4 stars; one submission).

Submission:

ISCA Site 6
Classification: Benign/Likely benign. Review status: no assertion criteria provided. Collection method: clinical testing. Allele origin: unknown. Affected: yes. Observed: 7 variant alleles. Clinical features observed: Developmental delay AND/OR other significant developmental or morphological phenotypes.
Comment: Likely benign (1), Benign (6)

Copy number variation identified through the course of routine clinical cytogenomic testing in postnatal populations, with clinical assertions as classified by the original submitter. For data from the original published study, Kaminsky, et al. 2011 (PubMed 21844811), please see nstd101.

GRCh37/hg19 17p12(chr17:15633426-15648509)x3

Gene: TBC1D26 (TBC1 domain family member 26; plus strand). Cytogenetic location: 17p12.
Variant type: copy number gain.
Change: copy number 3 (three copies instead of two) of chr17:15,633,426-15,648,509 (15.1 kb, GRCh37 coordinates, 1-based), cytogenetic band 17p12.
Identifiers: ClinVar variation 394627 (VCV000394627.3).